The following is an entry in ClinVar:

NM_003722.5(TP63):c.826G>T (p.Val276Leu)

Gene: TP63 (tumor protein p63; plus strand). Cytogenetic location: 3q28.
Variant type: single nucleotide variant.
Coding change: c.826G>T on transcript NM_003722.5 (MANE Select); coding-DNA position 826, G replaced by T.
Protein change: p.Val276Leu; replaces valine 276 with leucine.
Molecular consequence: missense variant.
Genome position (GRCh38, 1-based): chr3:189,866,741, G>T. VCF-style: chr3-189866741-G-T. GRCh37 (hg19) VCF-style: chr3-189584530-G-T.
Other names: c.826G>T, p.Val276Leu (NM_001114978.2, NM_001114979.2, NM_001329144.2 and 1 more transcripts); c.544G>T, p.Val182Leu (NM_001114980.2, NM_001114981.2, NM_001114982.2 and 2 more transcripts); c.289G>T, p.Val97Leu (NM_001329146.2, NM_001329150.2); c.820G>T, p.Val274Leu (NM_001329964.2); short protein forms V182L, V274L, V276L, V97L.
Identifiers: ClinVar variation 3363793 (VCV003363793.2).

ClinVar aggregate classification (germline): Uncertain significance (1 of 4 stars; one submission).

Submission:

GeneDx
Classification: Uncertain significance. Last evaluated: 2026-02-26. Review status: criteria provided, single submitter. Criteria: GeneDx Variant Classification Process June 2021. Collection method: clinical testing. Allele origin: germline.
Comment: Not observed at significant frequency in large population cohorts (gnomAD); In silico analysis suggests that this missense variant does not alter protein structure/function; Has not been previously published as pathogenic or benign to our knowledge; This variant is associated with the following publications: (PMID: 17224651, 21652629)